The following is an entry in ClinVar:

ClinVar aggregate classification (germline): Uncertain significance (1 of 4 stars; one submission).

gnomAD v4.1: 5 of 1,613,906 alleles (0.00031%); highest among the groups gnomAD compares: African/African-American, 0.0053%; no homozygotes.

Submission:

GeneDx
Classification: Uncertain significance. Last evaluated: 2024-07-31. Review status: criteria provided, single submitter. Criteria: GeneDx Variant Classification Process June 2021. Collection method: clinical testing. Allele origin: germline. Affected: yes.
Comment: Not observed at significant frequency in large population cohorts (gnomAD); In silico analysis indicates that this missense variant does not alter protein structure/function; Has not been previously published as pathogenic or benign to our knowledge

NM_001291303.3(FAT4):c.6188C>T (p.Thr2063Ile)

Gene: FAT4 (FAT atypical cadherin 4; plus strand). Cytogenetic location: 4q28.1.
Variant type: single nucleotide variant.
Coding change: c.6188C>T on transcript NM_001291303.3 (MANE Select); coding-DNA position 6188, C replaced by T.
Protein change: p.Thr2063Ile; replaces threonine 2063 with isoleucine.
Molecular consequence: missense variant.
Genome position (GRCh38, 1-based): chr4:125,415,151, C>T. VCF-style: chr4-125415151-C-T. GRCh37 (hg19) VCF-style: chr4-126336306-C-T.
Other names: c.6188C>T, p.Thr2063Ile (NM_001291285.3, NM_024582.6); short protein forms T2063I.
Identifiers: ClinVar variation 3602325 (VCV003602325.1).